The following is an entry in ClinVar:

NM_000722.4(CACNA2D1):c.1988A>G (p.Asn663Ser)

Gene: CACNA2D1 (calcium voltage-gated channel auxiliary subunit alpha2delta 1; minus strand). Cytogenetic location: 7q21.11.
Variant type: single nucleotide variant.
Coding change: c.1988A>G on transcript NM_000722.4 (MANE Select); coding-DNA position 1988, A replaced by G.
Protein change: p.Asn663Ser; replaces asparagine 663 with serine.
Molecular consequence: missense variant.
Genome position (GRCh38, 1-based): chr7:81,974,520, T>C on the plus strand (A>G on the coding strand, the complement: CACNA2D1 is on the minus strand). VCF-style: chr7-81974520-T-C. GRCh37 (hg19) VCF-style: chr7-81603836-T-C.
Other names: c.2024A>G, p.Asn675Ser (NM_001366867.1); short protein forms N675S, N663S.
Identifiers: ClinVar variation 2011388 (VCV002011388.4), dbSNP rs2484672946, ClinGen allele CA367892815.

ClinVar aggregate classification (germline): Uncertain significance (1 of 4 stars; one submission).

Conditions:
Brugada syndrome. Also called: Sudden Unexplained Death Syndrome; Sudden Unexplained Nocturnal Death Syndrome (SUNDS); Sudden unexpected nocturnal death syndrome; Sudden unexplained nocturnal death syndrome. Identifiers: Orphanet 130, MedGen C1142166, MONDO:0015263.

Submission:

Labcorp Genetics (formerly Invitae), Labcorp
Classification: Uncertain significance for Brugada syndrome. Last evaluated: 2022-07-08. Review status: criteria provided, single submitter. Criteria: Invitae Variant Classification Sherloc (09022015). Collection method: clinical testing. Allele origin: germline.
Comment: In summary, the available evidence is currently insufficient to determine the role of this variant in disease. Therefore, it has been classified as a Variant of Uncertain Significance. Algorithms developed to predict the effect of missense changes on protein structure and function are either unavailable or do not agree on the potential impact of this missense change (SIFT: "Tolerated"; PolyPhen-2: "Possibly Damaging"; Align-GVGD: "Class C0"). This variant has not been reported in the literature in individuals affected with CACNA2D1-related conditions. This variant is not present in population databases (gnomAD no frequency). This sequence change replaces asparagine, which is neutral and polar, with serine, which is neutral and polar, at codon 663 of the CACNA2D1 protein (p.Asn663Ser).